The following is an entry in ClinVar:

NM_025176.6(NINL):c.2155_2157delinsATA (p.Leu719Ile)

Gene: NINL (ninein like; minus strand). Cytogenetic location: 20p11.21.
Variant type: Indel.
Coding change: c.2155_2157delinsATA on transcript NM_025176.6 (MANE Select); coding-DNA positions 2155 to 2157, CTG replaced by ATA.
Protein change: p.Leu719Ile; replaces leucine 719 with isoleucine.
Molecular consequence: missense variant.
Genome position (GRCh38, 1-based): chr20:25,478,967-25,478,969, CAG replaced by TAT on the plus strand (CTG replaced by ATA on the coding strand, the reverse complement: NINL is on the minus strand). VCF-style: chr20-25478967-CAG-TAT. GRCh37 (hg19) VCF-style: chr20-25459603-CAG-TAT.
Other names: c.2155_2157delinsATA, p.Leu719Ile (NM_001318226.2); short protein forms L719I.
Identifiers: ClinVar variation 3345140 (VCV003345140.1).

ClinVar aggregate classification (germline): Uncertain significance (0 of 4 stars; one submission).

Conditions:
NINL-related disorder. Also called: NINL-related condition.

Submission:

PreventionGenetics, part of Exact Sciences
Classification: Uncertain significance for NINL-related condition. Last evaluated: 2024-05-10. Review status: no assertion criteria provided. Collection method: clinical testing. Allele origin: germline.
Comment: The NINL c.2155_2157delinsATA variant is predicted to result in an in-frame deletion and insertion. To our knowledge, this variant has not been reported in the literature or in a large population database, indicating this variant is rare. At this time, the clinical significance of this variant is uncertain due to the absence of conclusive functional and genetic evidence.